The following is an entry in ClinVar:

ClinVar aggregate classification (germline): Uncertain significance (1 of 4 stars; one submission).

Conditions:
Inborn genetic diseases. Identifiers: MedGen C0950123, MeSH D030342.

Submission:

Ambry Genetics
Classification: Uncertain significance for Inborn genetic diseases. Last evaluated: 2025-07-10. Review status: criteria provided, single submitter. Criteria: Ambry Variant Classification Scheme 2023. Collection method: clinical testing. Allele origin: germline.
Comment: The p.G1375R variant (also known as c.4123G>C), located in coding exon 13 of the ASXL1 gene, results from a G to C substitution at nucleotide position 4123. The glycine at codon 1375 is replaced by arginine, an amino acid with dissimilar properties. This amino acid position is conserved. In addition, this alteration is predicted to be tolerated by in silico analysis. Based on the available evidence, the clinical significance of this variant remains unclear.

NM_015338.6(ASXL1):c.4123G>C (p.Gly1375Arg)

Gene: ASXL1 (ASXL transcriptional regulator 1; plus strand). Cytogenetic location: 20q11.21.
Variant type: single nucleotide variant.
Coding change: c.4123G>C on transcript NM_015338.6 (MANE Select); coding-DNA position 4123, G replaced by C.
Protein change: p.Gly1375Arg; replaces glycine 1375 with arginine.
Molecular consequence: missense variant.
Genome position (GRCh38, 1-based): chr20:32,436,835, G>C. VCF-style: chr20-32436835-G-C. GRCh37 (hg19) VCF-style: chr20-31024638-G-C.
Other names: c.3940G>C, p.Gly1314Arg (NM_001363734.1); short protein forms G1375R, G1314R.
Identifiers: ClinVar variation 4158165 (VCV004158165.1).
Genomic context (GRCh38, chr20:32,436,835, plus strand): 5'-GACTGGGCTCCAAAGCCACATGCCTTTGTTGGCAGCGTCAAGAATGAGAAGACTTTTGTG[G>C]GGGGTCCTCTTAAGGCAAATGCCGAGAACAGGAAAGCTACTGGGCATAGTCCCCTGGAAC-3'
Protein context (NP_056153.2, residues 1365-1385): GSVKNEKTFV[Gly1375Arg]GPLKANAENR